The following is an entry in ClinVar:

NM_001184.4(ATR):c.6087C>T (p.Thr2029=)

Genes: ATR (ATR checkpoint kinase; minus strand), LOC126806830 (BRD4-independent group 4 enhancer GRCh37_chr3:142203676-142204875; plus strand). Cytogenetic location: 3q23.
Variant type: single nucleotide variant.
Coding change: c.6087C>T on transcript NM_001184.4 (MANE Select); coding-DNA position 6087, C replaced by T.
Protein change: p.Thr2029=; no amino-acid change (threonine 2029 retained).
Molecular consequence: synonymous variant.
Genome position (GRCh38, 1-based): chr3:142,485,274, G>A on the plus strand (C>T on the coding strand, the complement: ATR is on the minus strand). VCF-style: chr3-142485274-G-A. GRCh37 (hg19) VCF-style: chr3-142204116-G-A.
Other names: c.5895C>T, p.Thr1965= (NM_001354579.2).
Identifiers: ClinVar variation 696205 (VCV000696205.14), dbSNP rs144362854, ClinGen allele CA2649413.

ClinVar aggregate classification (germline): Likely benign. Review status: criteria provided, multiple submitters, no conflicts (2 of 4 stars). 2 submissions from 2 submitters: Likely benign (2). Last evaluated 2026-01-13.

Allele frequency attached by ClinVar (database versions not stated): ExAC 0.00004; gnomAD exomes 0.00007 and 0.00019; TOPMed 0.00009; gnomAD 0.00011; ESP Exome Variant Server 0.00015.
gnomAD v4.1: 291 of 1,613,788 alleles (0.018%); highest among the groups gnomAD compares: Non-Finnish European, 0.023%; no homozygotes.

Submissions (2):

Labcorp Genetics (formerly Invitae), Labcorp
Classification: Likely benign. Last evaluated: 2026-01-13. Review status: criteria provided, single submitter. Criteria: Invitae Variant Classification Sherloc (09022015). Collection method: clinical testing. Allele origin: germline.

CeGaT Center for Human Genetics Tuebingen
Classification: Likely benign. Last evaluated: 2025-12-01. Review status: criteria provided, single submitter. Criteria: CeGaT Center For Human Genetics Tuebingen Variant Classification Criteria Version 2. Collection method: clinical testing. Allele origin: germline. Affected: yes. Observed: 1 variant allele.
Comment: ATR: BP4, BP7